The following is an entry in ClinVar:

ClinVar aggregate classification (germline): Uncertain significance (1 of 4 stars; one submission).

Submission:

Labcorp Genetics (formerly Invitae), Labcorp
Classification: Uncertain significance. Last evaluated: 2021-03-31. Review status: criteria provided, single submitter. Criteria: Invitae Variant Classification Sherloc (09022015). Collection method: clinical testing. Allele origin: germline.
Comment: In summary, the available evidence is currently insufficient to determine the role of this variant in disease. Therefore, it has been classified as a Variant of Uncertain Significance. Advanced modeling of protein sequence and biophysical properties (such as structural, functional, and spatial information, amino acid conservation, physicochemical variation, residue mobility, and thermodynamic stability) performed at Invitae indicates that this missense variant is not expected to disrupt COL2A1 protein function. This variant has not been reported in the literature in individuals with COL2A1-related conditions. This variant is not present in population databases (ExAC no frequency). This sequence change replaces glutamic acid with glycine at codon 256 of the COL2A1 protein (p.Glu256Gly). The glutamic acid residue is highly conserved and there is a moderate physicochemical difference between glutamic acid and glycine.

NM_001844.5(COL2A1):c.767A>G (p.Glu256Gly)

Gene: COL2A1 (collagen type II alpha 1 chain; minus strand). Cytogenetic location: 12q13.11.
Variant type: single nucleotide variant.
Coding change: c.767A>G on transcript NM_001844.5 (MANE Select); coding-DNA position 767, A replaced by G.
Protein change: p.Glu256Gly; replaces glutamic acid 256 with glycine.
Molecular consequence: missense variant.
Genome position (GRCh38, 1-based): chr12:47,994,473, T>C on the plus strand (A>G on the coding strand, the complement: COL2A1 is on the minus strand). VCF-style: chr12-47994473-T-C. GRCh37 (hg19) VCF-style: chr12-48388256-T-C.
Other names: c.560A>G, p.Glu187Gly (NM_033150.3); short protein forms E256G, E187G.
Identifiers: ClinVar variation 1418277 (VCV001418277.8), dbSNP rs2136612672, ClinGen allele CA384522499.